The following is an entry in ClinVar:

ClinVar aggregate classification (germline): Uncertain significance (1 of 4 stars; one submission).

Conditions:
Hereditary cancer-predisposing syndrome. Also called: Neoplastic Syndromes, Hereditary; Tumor predisposition; Hereditary neoplastic syndrome; Hereditary Cancer Syndrome. Identifiers: Orphanet 140162, MedGen C0027672, MeSH D009386, MONDO:0015356.

Submission:

Ambry Genetics
Classification: Uncertain significance for Hereditary cancer-predisposing syndrome. Last evaluated: 2024-01-19. Review status: criteria provided, single submitter. Criteria: Ambry Variant Classification Scheme 2023. Collection method: clinical testing. Allele origin: germline.
Comment: The p.E1159D variant (also known as c.3477G>C), located in coding exon 20 of the DICER1 gene, results from a G to C substitution at nucleotide position 3477. The glutamic acid at codon 1159 is replaced by aspartic acid, an amino acid with highly similar properties. This amino acid position is well conserved in available vertebrate species. In addition, this alteration is predicted to be tolerated by in silico analysis. Since supporting evidence is limited at this time, the clinical significance of this alteration remains unclear.

NM_177438.3(DICER1):c.3477G>C (p.Glu1159Asp)

Gene: DICER1 (dicer 1, ribonuclease III; minus strand). Cytogenetic location: 14q32.13.
Variant type: single nucleotide variant.
Coding change: c.3477G>C on transcript NM_177438.3 (MANE Select); coding-DNA position 3477, G replaced by C.
Protein change: p.Glu1159Asp; replaces glutamic acid 1159 with aspartic acid.
Molecular consequence: missense variant.
Genome position (GRCh38, 1-based): chr14:95,103,919, C>G on the plus strand (G>C on the coding strand, the complement: DICER1 is on the minus strand). VCF-style: chr14-95103919-C-G. GRCh37 (hg19) VCF-style: chr14-95570256-C-G.
Other names: c.3477G>C, p.Glu1159Asp (NM_001195573.1, NM_001271282.3, NM_001291628.2 and 1 more transcripts); short protein forms E1159D.
Identifiers: ClinVar variation 823819 (VCV000823819.4), dbSNP rs1595366716, ClinGen allele CA390875262.
Genomic context (GRCh38, chr14:95,103,919, plus strand): 5'-AGAAAGACCATTAATTGCTGTAAGATCTGCTGAAACTTCAACGTGGAGCTTACCAGGGGA[C>G]TCGCTGAGCAACGTTCTGCAGTTCACAGACATTTGGTCATGATTTTCTAGAGAGGAGGTT-3'
Protein context (NP_803187.1, residues 1149-1169): MSVNCRTLLS[Glu1159Asp]SPGKLHVEVS